The following is an entry in ClinVar:

ClinVar aggregate classification (germline): Uncertain significance (1 of 4 stars; one submission).

Conditions:
Cardiovascular phenotype. Identifiers: MedGen CN230736.

gnomAD v4.1: 23 of 1,612,974 alleles (0.0014%); highest among the groups gnomAD compares: Admixed American, 0.012%; no homozygotes.

Submission:

Ambry Genetics
Classification: Uncertain significance for Cardiovascular phenotype. Last evaluated: 2025-05-12. Review status: criteria provided, single submitter. Criteria: Ambry Variant Classification Scheme 2023. Collection method: clinical testing. Allele origin: germline.
Comment: The p.V403I variant (also known as c.1207G>A), located in coding exon 8 of the LMF1 gene, results from a G to A substitution at nucleotide position 1207. The valine at codon 403 is replaced by isoleucine, an amino acid with highly similar properties. This amino acid position is highly conserved in available vertebrate species. In addition, this alteration is predicted to be tolerated by in silico analysis. Based on the available evidence, the clinical significance of this variant remains unclear.

NM_022773.4(LMF1):c.1207G>A (p.Val403Ile)

Gene: LMF1 (lipase maturation factor 1; minus strand). Cytogenetic location: 16p13.3.
Variant type: single nucleotide variant.
Coding change: c.1207G>A on transcript NM_022773.4 (MANE Select); coding-DNA position 1207, G replaced by A.
Protein change: p.Val403Ile; replaces valine 403 with isoleucine.
Molecular consequence: missense variant. On other transcripts: non-coding transcript variant (1).
Genome position (GRCh38, 1-based): chr16:870,754, C>T on the plus strand (G>A on the coding strand, the complement: LMF1 is on the minus strand). VCF-style: chr16-870754-C-T. GRCh37 (hg19) VCF-style: chr16-920754-C-T.
Other names: c.556G>A, p.Val186Ile (NM_001352017.2, NM_001352021.2); c.808G>A, p.Val270Ile (NM_001352018.2); c.880G>A, p.Val294Ile (NM_001352019.2); c.1207G>A, p.Val403Ile (NM_001352020.1); short protein forms V403I, V186I, V270I, V294I.
Identifiers: ClinVar variation 4047685 (VCV004047685.1).